The following is an entry in ClinVar:

NM_020822.3(KCNT1):c.1394C>T (p.Thr465Met)

Gene: KCNT1 (potassium sodium-activated channel subfamily T member 1; plus strand). Cytogenetic location: 9q34.3.
Variant type: single nucleotide variant.
Coding change: c.1394C>T on transcript NM_020822.3 (MANE Select); coding-DNA position 1394, C replaced by T.
Protein change: p.Thr465Met; replaces threonine 465 with methionine.
Molecular consequence: missense variant.
Genome position (GRCh38, 1-based): chr9:135,768,666, C>T. VCF-style: chr9-135768666-C-T. GRCh37 (hg19) VCF-style: chr9-138660512-C-T.
Other names: c.1259C>T, p.Thr420Met (NM_001272003.2); short protein forms T465M, T420M.
Identifiers: ClinVar variation 194424 (VCV000194424.50), dbSNP rs539139475, ClinGen allele CA240369.

ClinVar aggregate classification (germline): Conflicting classifications of pathogenicity. Review status: criteria provided, conflicting classifications (1 of 4 stars). 6 submissions from 6 submitters: Uncertain significance (1); Benign (1); Likely benign (3). 1 of the submissions does not count toward it. Last evaluated 2025-11-17.

Conditions:
KCNT1-related disorder. Also called: KCNT1-related condition.
Inborn genetic diseases. Identifiers: MedGen C0950123, MeSH D030342.
Developmental and epileptic encephalopathy, 14 (DEE14). Also called: Early infantile epileptic encephalopathy 14. Identifiers: Orphanet 293181, MedGen C3554195, MONDO:0013989, OMIM 614959.
Autosomal dominant nocturnal frontal lobe epilepsy 5. Also called: CILIARY DYSKINESIA, PRIMARY, 28, WITHOUT SITUS INVERSUS; Epilepsy, nocturnal frontal lobe, 5; KCNT1-Related Epilepsy; CILIARY DYSKINESIA, PRIMARY, 28, WITH SITUS INVERSUS. Identifiers: Orphanet 98784, MedGen C3554306, MONDO:0014002, OMIM 615005.

Allele frequency attached by ClinVar (database versions not stated): gnomAD exomes 0.00010; gnomAD 0.00013 and 0.00014; TOPMed 0.00014; ExAC 0.00015.
gnomAD v4.1: 327 of 1,550,040 alleles (0.021%); highest among the groups gnomAD compares: Non-Finnish European, 0.027%; no homozygotes.

Submissions (6):

Labcorp Genetics (formerly Invitae), Labcorp
Classification: Benign for Autosomal dominant nocturnal frontal lobe epilepsy 5; Developmental and epileptic encephalopathy, 14. Last evaluated: 2025-11-17. Review status: criteria provided, single submitter. Criteria: Invitae Variant Classification Sherloc (09022015). Collection method: clinical testing. Allele origin: germline.

CeGaT Center for Human Genetics Tuebingen
Classification: Likely benign. Last evaluated: 2023-12-01. Review status: criteria provided, single submitter. Criteria: CeGaT Center For Human Genetics Tuebingen Variant Classification Criteria Version 2. Collection method: clinical testing. Allele origin: germline. Affected: yes. Observed: 2 variant alleles.
Comment: KCNT1: BS1

Ambry Genetics
Classification: Likely benign for Inborn genetic diseases. Last evaluated: 2017-06-29. Review status: criteria provided, single submitter. Criteria: Ambry Variant Classification Scheme 2023. Collection method: clinical testing. Allele origin: germline.

GeneDx
Classification: Likely benign. Last evaluated: 2017-01-17. Review status: criteria provided, single submitter. Criteria: GeneDx Variant Classification (06012015). Collection method: clinical testing. Allele origin: germline. Affected: yes.
Comment: This variant is considered likely benign or benign based on one or more of the following criteria: it is a conservative change, it occurs at a poorly conserved position in the protein, it is predicted to be benign by multiple in silico algorithms, and/or has population frequency not consistent with disease.

Eurofins Ntd Llc (ga)
Classification: Uncertain significance. Last evaluated: 2014-09-04. Review status: criteria provided, single submitter. Criteria: EGL Classification Definitions 2015. Collection method: clinical testing. Allele origin: germline. Observed: 2 variant alleles, 2 heterozygotes.

PreventionGenetics, part of Exact Sciences
Classification: Likely benign for KCNT1-related condition. Last evaluated: 2023-06-07. Review status: no assertion criteria provided. Collection method: clinical testing. Allele origin: germline. Not counted in ClinVar's aggregate classification.
Comment: This variant is classified as likely benign based on ACMG/AMP sequence variant interpretation guidelines (Richards et al. 2015 PMID: 25741868, with internal and published modifications).